The following is an entry in ClinVar:

NM_002227.4(JAK1):c.6+46A>G

Gene: JAK1 (Janus kinase 1; minus strand). Cytogenetic location: 1p31.3.
Variant type: single nucleotide variant.
Coding change: c.6+46A>G on transcript NM_002227.4 (MANE Select); 46 bases into the intron after coding-DNA position 6, A replaced by G.
Molecular consequence: intron variant.
Genome position (GRCh38, 1-based): chr1:64,886,213, T>C on the plus strand (A>G on the coding strand, the complement: JAK1 is on the minus strand). VCF-style: chr1-64886213-T-C. GRCh37 (hg19) VCF-style: chr1-65351896-T-C.
Other names: c.6+46A>G (NM_001321852.2, NM_001321854.2, NM_001321853.2 and 4 more transcripts).
Identifiers: ClinVar variation 2688297 (VCV002688297.2), dbSNP rs17127123, ClinGen allele CA893269.

ClinVar aggregate classification (germline): Benign (1 of 4 stars; one submission).

Allele frequency attached by ClinVar (database versions not stated): ESP Exome Variant Server 0.00324; gnomAD exomes 0.00932; gnomAD 0.01099; ExAC 0.01711; TOPMed 0.01749; 1000 Genomes Project 0.02137; 1000 Genomes Project 30x 0.02311.
gnomAD v4.1: 12,459 of 1,298,932 alleles (0.96%); highest among the groups gnomAD compares: Admixed American, 9.6%; 345 homozygotes.

Submission:

Unidad de Genómica Garrahan, Hospital de Pediatría Garrahan
Classification: Benign. Last evaluated: 2024-01-24. Review status: criteria provided, single submitter. Criteria: ACMG Guidelines, 2015. Collection method: clinical testing. Allele origin: germline. Affected: no. Observed: 24 variant alleles.
Comment: This variant is classified as Benign based on local population frequency. This variant was detected in 25% of patients studied by a panel of primary immunodeficiencies. Number of patients: 24. Only high quality variants are reported.